The following is an entry in ClinVar:

NM_000548.5(TSC2):c.109G>T (p.Glu37Ter)

Gene: TSC2 (TSC complex subunit 2; plus strand). Cytogenetic location: 16p13.3.
Variant type: single nucleotide variant.
Coding change: c.109G>T on transcript NM_000548.5 (MANE Select); coding-DNA position 109, G replaced by T.
Protein change: p.Glu37Ter; replaces glutamic acid 37 with a stop codon.
Molecular consequence: nonsense. On other transcripts: 5 prime UTR variant (1), intron variant (1).
Genome position (GRCh38, 1-based): chr16:2,048,724, G>T. VCF-style: chr16-2048724-G-T. GRCh37 (hg19) VCF-style: chr16-2098725-G-T.
Other names: c.109G>T, p.Glu37Ter (NM_001077183.3, NM_001114382.3, NM_001318827.2 and 13 more transcripts); c.-118G>T (NM_001318831.2, NM_001406682.1, NM_001406684.1 and 2 more transcripts); c.142G>T, p.Glu48Ter (NM_001318832.2); c.-1204G>T (NM_001406695.1, NM_001406694.1); c.-1311G>T (NM_001406696.1); c.-1323G>T (NM_001406697.1, NM_001406689.1, NM_001406690.1 and 2 more transcripts); c.-1499G>T (NM_001406698.1); c.-10+659G>T (NM_001318829.2); and 3 more; short protein forms E37*, E48*.
Identifiers: ClinVar variation 2430255 (VCV002430255.2), dbSNP rs2150972985, ClinGen allele CA394301559.

ClinVar aggregate classification (germline): Pathogenic (1 of 4 stars; one submission).

Conditions:
Tuberous sclerosis 2 (TSC2). Identifiers: Orphanet 805, MedGen C1860707, MONDO:0013199, OMIM 613254.

Submission:

Institute of Human Genetics, University of Leipzig Medical Center
Classification: Pathogenic for Tuberous sclerosis 2. Last evaluated: 2023-04-12. Review status: criteria provided, single submitter. Criteria: ACMG Guidelines, 2015. Collection method: clinical testing. Allele origin: de novo. Affected: yes.
Comment: This variant was identified as de novo (maternity and paternity confirmed)._x000D_ Criteria applied: PVS1, PS2, PM2_SUP, PP4